The following is an entry in ClinVar:

NM_001330723.2(SNX27):c.989G>A (p.Arg330His)

Gene: SNX27 (sorting nexin 27; plus strand). Cytogenetic location: 1q21.3.
Variant type: single nucleotide variant.
Coding change: c.989G>A on transcript NM_001330723.2 (MANE Select); coding-DNA position 989, G replaced by A.
Protein change: p.Arg330His; replaces arginine 330 with histidine.
Molecular consequence: missense variant.
Genome position (GRCh38, 1-based): chr1:151,668,475, G>A. VCF-style: chr1-151668475-G-A. GRCh37 (hg19) VCF-style: chr1-151640951-G-A.
Other names: c.989G>A, p.Arg330His (NM_030918.6); short protein forms R330H.
Identifiers: ClinVar variation 1098326 (VCV001098326.3), dbSNP rs1670312400, ClinGen allele CA341965720.

ClinVar aggregate classification (germline): Likely pathogenic. Review status: criteria provided, single submitter (1 of 4 stars). 2 submissions from 2 submitters: Likely pathogenic (1). 1 of the submissions does not count toward it. Last evaluated 2021-04-26.

Conditions:
DAMSEH-DANSON NEURODEVELOPMENTAL DISORDER (DADAND). Also called: NEURODEVELOPMENTAL DISORDER WITH SEIZURES, ABSENT LANGUAGE, AND BEHAVIORAL ABNORMALITIES. Identifiers: MedGen CN381674, OMIM 621591.

Allele frequency attached by ClinVar (database versions not stated): gnomAD 0.00001; gnomAD exomes below 0.00001.

Submissions (2):

Genetics Laboratory, UDIAT-Centre Diagnòstic, Hospital Universitari Parc Tauli
Classification: Likely pathogenic. Last evaluated: 2021-04-26. Review status: criteria provided, single submitter. Criteria: Parc Tauli Hospital Assertion Criteria 2021. Collection method: clinical testing. Allele origin: paternal. Inheritance: Autosomal recessive inheritance. Affected: yes. Observed: 1 compound heterozygote.
Comment: PM2_supporting;PM3_moderate;PP2_supporting;PP3_supporting

OMIM
Classification: Pathogenic for DAMSEH-DANSON NEURODEVELOPMENTAL DISORDER. Last evaluated: 2026-06-03. Review status: no assertion criteria provided. Collection method: literature only. Allele origin: germline. Not counted in ClinVar's aggregate classification.

Literature cited by the submitters: PubMed 31721175 (cited by Genetics Laboratory, UDIAT-Centre Diagnòstic, Hospital Universitari Parc Tauli and OMIM).